The following is an entry in ClinVar:

NM_020297.4(ABCC9):c.4024-12C>G

Genes: ABCC9 (ATP binding cassette subfamily C member 9; minus strand), KCNJ8-AS1 (KCNJ8 antisense RNA 1; plus strand). Cytogenetic location: 12p12.1.
Variant type: single nucleotide variant.
Coding change: c.4024-12C>G on transcript NM_020297.4 (MANE Select); 12 bases into the intron before coding-DNA position 4024, C replaced by G.
Molecular consequence: intron variant.
Genome position (GRCh38, 1-based): chr12:21,814,734, G>C on the plus strand (C>G on the coding strand, the complement: ABCC9 is on the minus strand). VCF-style: chr12-21814734-G-C. GRCh37 (hg19) VCF-style: chr12-21967668-G-C.
Other names: c.3157-12C>G (NM_001377274.1); c.4024-12C>G (NM_005691.4, NM_001377273.1).
Identifiers: ClinVar variation 1463031 (VCV001463031.6), dbSNP rs769587879, ClinGen allele CA6480957.
Genomic context (GRCh38, chr12:21,814,734, plus strand): 5'-CCAGAGATAACGATGATTTCCCACTGCCAGTGCGACCACATATGCCCACCTAGGAAAACA[G>C]CTGTCACTCAAAGAGAAGAGGACTCAGAAAAGGACAGAAGATTAGCTTAAGTTTTGTTTT-3'

ClinVar aggregate classification (germline): Uncertain significance (1 of 4 stars; one submission).

Conditions:
Dilated cardiomyopathy 1O (CMD1O). Also called: CARDIOMYOPATHY, DILATED, WITH VENTRICULAR TACHYCARDIA. Identifiers: Orphanet 154, MedGen C1837839, MONDO:0012062, OMIM 608569.

Allele frequency attached by ClinVar (database versions not stated): gnomAD exomes below 0.00001; TOPMed below 0.00001; ExAC 0.00001; gnomAD 0.00001.
gnomAD v4.1: 1 of 1,612,320 alleles (0.000062%); highest among the groups gnomAD compares: Non-Finnish European, 0.000085%; no homozygotes.

Submission:

Labcorp Genetics (formerly Invitae), Labcorp
Classification: Uncertain significance for Dilated cardiomyopathy 1O. Last evaluated: 2025-11-03. Review status: criteria provided, single submitter. Criteria: Invitae Variant Classification Sherloc (09022015). Collection method: clinical testing. Allele origin: germline.
Comment: This sequence change falls in intron 32 of the ABCC9 gene. It does not directly change the encoded amino acid sequence of the ABCC9 protein. This variant is not present in population databases (gnomAD no frequency). This variant has not been reported in the literature in individuals affected with ABCC9-related conditions. ClinVar contains an entry for this variant (Variation ID: 1463031). Algorithms developed to predict the effect of sequence changes on RNA splicing suggest that this variant may disrupt the consensus splice site. In summary, the available evidence is currently insufficient to determine the role of this variant in disease. Therefore, it has been classified as a Variant of Uncertain Significance.